The following is an entry in ClinVar:

NM_003072.5(SMARCA4):c.3221A>G (p.Asp1074Gly)

Gene: SMARCA4 (SWI/SNF related BAF chromatin remodeling complex subunit ATPase 4; plus strand). Cytogenetic location: 19p13.2.
Variant type: single nucleotide variant.
Coding change: c.3221A>G on transcript NM_003072.5 (MANE Select); coding-DNA position 3221, A replaced by G.
Protein change: p.Asp1074Gly; replaces aspartic acid 1074 with glycine.
Molecular consequence: missense variant. On other transcripts: non-coding transcript variant (1).
Genome position (GRCh38, 1-based): chr19:11,027,789, A>G. VCF-style: chr19-11027789-A-G. GRCh37 (hg19) VCF-style: chr19-11138465-A-G.
Other names: c.3221A>G, p.Asp1074Gly (NM_001128844.3, NM_001128845.2, NM_001128846.2 and 6 more transcripts); short protein forms D1074G.
Identifiers: ClinVar variation 4864805 (VCV004864805.1).

ClinVar aggregate classification (germline): Uncertain significance (1 of 4 stars; one submission).

Conditions:
Hereditary cancer-predisposing syndrome. Also called: Neoplastic Syndromes, Hereditary; Tumor predisposition; Hereditary Cancer Syndrome; Hereditary neoplastic syndrome. Identifiers: Orphanet 140162, MedGen C0027672, MeSH D009386, MONDO:0015356.

Submission:

Ambry Genetics
Classification: Uncertain significance for Hereditary cancer-predisposing syndrome. Last evaluated: 2026-06-13. Review status: criteria provided, single submitter. Criteria: Ambry Variant Classification Scheme 2023. Collection method: clinical testing. Allele origin: germline.
Comment: The p.D1074G variant (also known as c.3221A>G), located in coding exon 23 of the SMARCA4 gene, results from an A to G substitution at nucleotide position 3221. The aspartic acid at codon 1074 is replaced by glycine, an amino acid with similar properties. This amino acid position is conserved. In addition, the in silico prediction for this alteration is inconclusive. Based on the available evidence, the clinical significance of this variant remains unclear.